The following is an entry in ClinVar:

NM_001080467.3(MYO5B):c.4664G>A (p.Arg1555His)

Genes: MYO5B (myosin VB; minus strand), SNHG22 (small nucleolar RNA host gene 22; plus strand). Cytogenetic location: 18q21.1.
Variant type: single nucleotide variant.
Coding change: c.4664G>A on transcript NM_001080467.3 (MANE Select); coding-DNA position 4664, G replaced by A.
Protein change: p.Arg1555His; replaces arginine 1555 with histidine.
Molecular consequence: missense variant.
Genome position (GRCh38, 1-based): chr18:49,841,402, C>T on the plus strand (G>A on the coding strand, the complement: MYO5B is on the minus strand). VCF-style: chr18-49841402-C-T. GRCh37 (hg19) VCF-style: chr18-47367772-C-T.
Other names: short protein forms R1555H.
Identifiers: ClinVar variation 1314692 (VCV001314692.10), dbSNP rs763029595, ClinGen allele CA8960267.

ClinVar aggregate classification (germline): Uncertain significance. Review status: criteria provided, multiple submitters, no conflicts (2 of 4 stars). 4 submissions from 4 submitters: Uncertain significance (4). Last evaluated 2026-04-06.

Conditions:
Inborn genetic diseases. Identifiers: MedGen C0950123, MeSH D030342.
MYO5B-related disorder. Also called: MYO5B-related condition.

Allele frequency attached by ClinVar (database versions not stated): gnomAD 0.00005; TOPMed 0.00005.
gnomAD v4.1: 129 of 1,614,066 alleles (0.008%); highest among the groups gnomAD compares: Non-Finnish European, 0.0099%; 1 homozygote.

Submissions (4):

PreventionGenetics, part of Exact Sciences
Classification: Uncertain significance for MYO5B-related condition. Last evaluated: 2026-04-06. Review status: criteria provided, single submitter. Criteria: ACMG Guidelines, 2015. Collection method: clinical testing. Allele origin: germline.
Comment: The MYO5B c.4664G>A variant is predicted to result in the amino acid substitution p.Arg1555His. To our knowledge, this variant has not been reported in the literature. This variant is reported in 0.018% of alleles in individuals of European (Non-Finnish) descent in gnomAD. At this time, the clinical significance of this variant is uncertain due to the absence of conclusive functional and genetic evidence.

Ambry Genetics
Classification: Uncertain significance for Inborn genetic diseases. Last evaluated: 2025-09-01. Review status: criteria provided, single submitter. Criteria: Ambry Variant Classification Scheme 2023. Collection method: clinical testing. Allele origin: germline.

Labcorp Genetics (formerly Invitae), Labcorp
Classification: Uncertain significance. Last evaluated: 2022-08-13. Review status: criteria provided, single submitter. Criteria: Invitae Variant Classification Sherloc (09022015). Collection method: clinical testing. Allele origin: germline.
Comment: This sequence change replaces arginine, which is basic and polar, with histidine, which is basic and polar, at codon 1555 of the MYO5B protein (p.Arg1555His). The frequency data for this variant in the population databases is considered unreliable, as metrics indicate poor data quality at this position in the gnomAD database. This variant has not been reported in the literature in individuals affected with MYO5B-related conditions. ClinVar contains an entry for this variant (Variation ID: 1314692). Algorithms developed to predict the effect of missense changes on protein structure and function are either unavailable or do not agree on the potential impact of this missense change (SIFT: "Deleterious"; PolyPhen-2: "Probably Damaging"; Align-GVGD: "Class C0"). In summary, the available evidence is currently insufficient to determine the role of this variant in disease. Therefore, it has been classified as a Variant of Uncertain Significance.

GeneDx
Classification: Uncertain significance. Last evaluated: 2021-04-23. Review status: criteria provided, single submitter. Criteria: GeneDx Variant Classification Process June 2021. Collection method: clinical testing. Allele origin: germline. Affected: yes.
Comment: In silico analysis supports that this missense variant has a deleterious effect on protein structure/function; Has not been previously published as pathogenic or benign to our knowledge